The following is an entry in ClinVar:

ClinVar aggregate classification (germline): Uncertain significance (1 of 4 stars; one submission).

Submission:

Labcorp Genetics (formerly Invitae), Labcorp
Classification: Uncertain significance. Last evaluated: 2023-11-27. Review status: criteria provided, single submitter. Criteria: Invitae Variant Classification Sherloc (09022015). Collection method: clinical testing. Allele origin: germline.
Comment: This sequence change replaces tyrosine, which is neutral and polar, with phenylalanine, which is neutral and non-polar, at codon 1888 of the SCN3A protein (p.Tyr1888Phe). This variant is not present in population databases (gnomAD no frequency). This variant has not been reported in the literature in individuals affected with SCN3A-related conditions. Advanced modeling of protein sequence and biophysical properties (such as structural, functional, and spatial information, amino acid conservation, physicochemical variation, residue mobility, and thermodynamic stability) performed at Invitae indicates that this missense variant is not expected to disrupt SCN3A protein function with a negative predictive value of 80%. In summary, the available evidence is currently insufficient to determine the role of this variant in disease. Therefore, it has been classified as a Variant of Uncertain Significance.

NM_006922.4(SCN3A):c.5663A>T (p.Tyr1888Phe)

Gene: SCN3A (sodium voltage-gated channel alpha subunit 3; minus strand). Cytogenetic location: 2q24.3.
Variant type: single nucleotide variant.
Coding change: c.5663A>T on transcript NM_006922.4 (MANE Select); coding-DNA position 5663, A replaced by T.
Protein change: p.Tyr1888Phe; replaces tyrosine 1888 with phenylalanine.
Molecular consequence: missense variant.
Genome position (GRCh38, 1-based): chr2:165,090,490, T>A on the plus strand (A>T on the coding strand, the complement: SCN3A is on the minus strand). VCF-style: chr2-165090490-T-A. GRCh37 (hg19) VCF-style: chr2-165947000-T-A.
Other names: c.5516A>T, p.Tyr1839Phe (NM_001081676.2, NM_001081677.2); short protein forms Y1888F, Y1839F.
Identifiers: ClinVar variation 2798113 (VCV002798113.3), dbSNP rs2468037555, ClinGen allele CA349010414.
Genomic context (GRCh38, chr2:165,090,490, plus strand): 5'-TGAATGATAGCGGCAGACACCTCCTCTTGTTTACGTTTCAAAGTGGTTGTAATAGGCTCA[T>A]AAGAGACTTTGGAGGGGTTTGATGCCATAAACCTGTCTTCCATCTGTATTCGAAGGGCAT-3'
Protein context (NP_008853.3, residues 1878-1898): FMASNPSKVS[Tyr1888Phe]EPITTTLKRK